The following is an entry in ClinVar:

NM_001384900.1(SEMA3D):c.1527G>A (p.Met509Ile)

Gene: SEMA3D (semaphorin 3D; minus strand). Cytogenetic location: 7q21.11.
Variant type: single nucleotide variant.
Coding change: c.1527G>A on transcript NM_001384900.1 (MANE Select); coding-DNA position 1527, G replaced by A.
Protein change: p.Met509Ile; replaces methionine 509 with isoleucine.
Molecular consequence: missense variant.
Genome position (GRCh38, 1-based): chr7:85,018,270, C>T on the plus strand (G>A on the coding strand, the complement: SEMA3D is on the minus strand). VCF-style: chr7-85018270-C-T. GRCh37 (hg19) VCF-style: chr7-84647586-C-T.
Other names: c.1527G>A, p.Met509Ile (NM_001384901.1, NM_001384902.1, NM_001384903.1 and 1 more transcripts); short protein forms M509I.
Identifiers: ClinVar variation 2628791 (VCV002628791.3), dbSNP rs764909032, ClinGen allele CA4323393.

ClinVar aggregate classification (germline): Uncertain significance (0 of 4 stars; one submission).

Conditions:
SEMA3D-related disorder. Also called: SEMA3D-related condition.

Allele frequency attached by ClinVar (database versions not stated): gnomAD 0.00001; ExAC 0.00003.
gnomAD v4.1: 56 of 1,596,194 alleles (0.0035%); highest among the groups gnomAD compares: Non-Finnish European, 0.0046%; no homozygotes.

Submission:

PreventionGenetics, part of Exact Sciences
Classification: Uncertain significance for SEMA3D-related condition. Last evaluated: 2024-02-15. Review status: no assertion criteria provided. Collection method: clinical testing. Allele origin: germline.
Comment: The SEMA3D c.1527G>A variant is predicted to result in the amino acid substitution p.Met509Ile. To our knowledge, this variant has not been reported in the literature. This variant is reported in 0.0046% of alleles in individuals of European (Finnish) descent in gnomAD. At this time, the clinical significance of this variant is uncertain due to the absence of conclusive functional and genetic evidence.